The following is an entry in ClinVar:

NM_014332.3(SMPX):c.154GAG[1] (p.Glu53del)

Gene: SMPX (small muscle protein X-linked; minus strand). Cytogenetic location: Xp22.12.
Variant type: Microsatellite.
Coding change: c.154GAG[1] on transcript NM_014332.3 (MANE Select); one copy of the 3-base unit GAG starting at c.154; the reference has two copies in a row; one copy, 3 bases deleted.
Protein change: p.Glu53del; deletes glutamic acid 53.
Molecular consequence: inframe deletion. On other transcripts: non-coding transcript variant (1).
Genome position (GRCh38, 1-based): chrX:21,737,671-21,737,673, CTC deleted on the plus strand (GAG on the coding strand, the reverse complement: SMPX is on the minus strand); deleting any 3 consecutive bases within chrX:21,737,671-21,737,676 gives the same sequence; the position shown is the placement nearest the transcript's 3' end. VCF-style (leftmost placement, unchanged base first): chrX-21737670-TCTC-T. GRCh37 (hg19) VCF-style: chrX-21755788-TCTC-T.
Other names: short protein forms E53del.
Identifiers: ClinVar variation 2809337 (VCV002809337.3), dbSNP rs1470284288, ClinGen allele CA873863240.

ClinVar aggregate classification (germline): Uncertain significance (1 of 4 stars; one submission).

Submission:

Labcorp Genetics (formerly Invitae), Labcorp
Classification: Uncertain significance. Last evaluated: 2023-10-13. Review status: criteria provided, single submitter. Criteria: Invitae Variant Classification Sherloc (09022015). Collection method: clinical testing. Allele origin: germline.
Comment: This variant, c.157_159del, results in the deletion of 1 amino acid(s) of the SMPX protein (p.Glu53del), but otherwise preserves the integrity of the reading frame. This variant is not present in population databases (gnomAD no frequency). This variant has not been reported in the literature in individuals affected with SMPX-related conditions. Experimental studies and prediction algorithms are not available or were not evaluated, and the functional significance of this variant is currently unknown. In summary, the available evidence is currently insufficient to determine the role of this variant in disease. Therefore, it has been classified as a Variant of Uncertain Significance.